The following is an entry in ClinVar:

ClinVar aggregate classification (germline): Likely pathogenic (1 of 4 stars; one submission).

Conditions:
Autosomal dominant Robinow syndrome 2. Identifiers: Orphanet 3107, Orphanet 97360, MedGen C4225363, MONDO:0014591, OMIM 616331.

Submission:

MGZ Medical Genetics Center
Classification: Likely pathogenic for Autosomal dominant Robinow syndrome 2. Last evaluated: 2022-05-20. Review status: criteria provided, single submitter. Criteria: ACMG Guidelines, 2015. Collection method: clinical testing. Allele origin: germline. Affected: yes. Observed: 1 variant allele.
Comment: ACMG criteria applied: PVS1, PM2_SUP

NM_001330311.2(DVL1):c.363-1G>C

Gene: DVL1 (dishevelled segment polarity protein 1; minus strand). Cytogenetic location: 1p36.33.
Variant type: single nucleotide variant.
Coding change: c.363-1G>C on transcript NM_001330311.2 (MANE Select); the canonical splice acceptor site of the intron before coding-DNA position 363, G replaced by C.
Molecular consequence: splice acceptor variant.
Genome position (GRCh38, 1-based): chr1:1,342,157, C>G on the plus strand (G>C on the coding strand, the complement: DVL1 is on the minus strand). VCF-style: chr1-1342157-C-G. GRCh37 (hg19) VCF-style: chr1-1277537-C-G.
Other names: c.363-1G>C (NM_004421.3).
Identifiers: ClinVar variation 1709442 (VCV001709442.2), dbSNP rs1643857128, ClinGen allele CA337875668.